The following is an entry in ClinVar:

NM_001042492.3(NF1):c.3050A>G (p.Gln1017Arg)

Gene: NF1 (neurofibromin 1; plus strand). Cytogenetic location: 17q11.2.
Variant type: single nucleotide variant.
Coding change: c.3050A>G on transcript NM_001042492.3 (MANE Select); coding-DNA position 3050, A replaced by G.
Protein change: p.Gln1017Arg; replaces glutamine 1017 with arginine.
Molecular consequence: missense variant.
Genome position (GRCh38, 1-based): chr17:31,230,319, A>G. VCF-style: chr17-31230319-A-G. GRCh37 (hg19) VCF-style: chr17-29557337-A-G.
Other names: c.3050A>G, p.Gln1017Arg (NM_000267.4); short protein forms Q1017R.
Identifiers: ClinVar variation 3634521 (VCV003634521.2).

ClinVar aggregate classification (germline): Uncertain significance (1 of 4 stars; one submission).

Conditions:
Neurofibromatosis, type 1 (NF1). Also called: VON RECKLINGHAUSEN DISEASE; Peripheral type neurofibromatosis; NEUROFIBROMATOSIS, TYPE I, SOMATIC; Neurofibromatosis, type I. Identifiers: Orphanet 636, MedGen C0027831, MONDO:0018975, OMIM 162200. Disease mechanism: loss of function.

Submission:

Labcorp Genetics (formerly Invitae), Labcorp
Classification: Uncertain significance for Neurofibromatosis, type 1. Last evaluated: 2024-03-10. Review status: criteria provided, single submitter. Criteria: Invitae Variant Classification Sherloc (09022015). Collection method: clinical testing. Allele origin: germline.
Comment: This sequence change replaces glutamine, which is neutral and polar, with arginine, which is basic and polar, at codon 1017 of the NF1 protein (p.Gln1017Arg). This variant is not present in population databases (gnomAD no frequency). This variant has not been reported in the literature in individuals affected with NF1-related conditions. Advanced modeling of protein sequence and biophysical properties (such as structural, functional, and spatial information, amino acid conservation, physicochemical variation, residue mobility, and thermodynamic stability) performed at Invitae indicates that this missense variant is expected to disrupt NF1 protein function with a positive predictive value of 95%. In summary, the available evidence is currently insufficient to determine the role of this variant in disease. Therefore, it has been classified as a Variant of Uncertain Significance.